The following is an entry in ClinVar:

NM_000059.4(BRCA2):c.5532del (p.Phe1844fs)

Gene: BRCA2 (BRCA2 DNA repair associated; plus strand). Cytogenetic location: 13q13.1.
Variant type: Deletion.
Coding change: c.5532del on transcript NM_000059.4 (MANE Select); coding-DNA position 5532, one base deleted (T; older notation c.5532delT).
Protein change: p.Phe1844fs; shifts the reading frame from phenylalanine 1844.
Molecular consequence: frameshift variant.
Genome position (GRCh38, 1-based): chr13:32,339,887, T deleted; the last of 3 consecutive T bases (chr13:32,339,885-32,339,887); deleting any one gives the same sequence. VCF-style (leftmost placement, unchanged base first): chr13-32339884-AT-A. GRCh37 (hg19) VCF-style: chr13-32914021-AT-A.
Other names: c.5532delT (NM_000059.4); c.5532delT, p.Phe1844Leufs (NM_001406719.1, NM_001406720.1); short protein forms F1844fs.
Identifiers: ClinVar variation 2034348 (VCV002034348.5), dbSNP rs2548531036, ClinGen allele CA2580087603.

ClinVar aggregate classification (germline): Pathogenic. Review status: criteria provided, multiple submitters, no conflicts (2 of 4 stars). 2 submissions from 2 submitters: Pathogenic (2). Last evaluated 2026-01-15.

Conditions:
Hereditary breast ovarian cancer syndrome. Also called: Hereditary breast and/or ovarian cancer syndrome; BRCA1- and BRCA2-Associated Hereditary Breast and Ovarian Cancer; Breast and ovarian cancer; Hereditary breast and ovarian cancer; Hereditary breast and ovarian cancer syndrome (HBOC); Hereditary breast and ovarian cancer syndrome. Identifiers: Orphanet 145, MedGen C0677776, MeSH D061325, MONDO:0003582. Disease mechanism: loss of function.

Submissions (2):

Women's Health and Genetics/Laboratory Corporation of America, LabCorp
Classification: Pathogenic for Hereditary breast ovarian cancer syndrome. Last evaluated: 2026-01-15. Review status: criteria provided, single submitter. Criteria: LabCorp Variant Classification Summary - May 2015. Collection method: clinical testing. Allele origin: germline.
Comment: Variant summary: BRCA2 c.5532delT (p.Phe1844LeufsX3) results in a premature termination codon, predicted to cause a truncation of the encoded protein or absence of the protein due to nonsense mediated decay, which are commonly known mechanisms for disease. The variant was absent in 249634 control chromosomes. To our knowledge, no occurrence of c.5532delT in individuals affected with BRCA2-related conditions and no experimental evidence demonstrating its impact on protein function have been reported. ClinVar contains an entry for this variant (Variation ID: 2034348). Based on the evidence outlined above, the variant was classified as pathogenic.

Labcorp Genetics (formerly Invitae), Labcorp
Classification: Pathogenic for Hereditary breast ovarian cancer syndrome. Last evaluated: 2022-10-06. Review status: criteria provided, single submitter. Criteria: Invitae Variant Classification Sherloc (09022015). Collection method: clinical testing. Allele origin: germline.
Comment: For these reasons, this variant has been classified as Pathogenic. This variant has not been reported in the literature in individuals affected with BRCA2-related conditions. This variant is not present in population databases (gnomAD no frequency). This sequence change creates a premature translational stop signal (p.Phe1844Leufs*3) in the BRCA2 gene. It is expected to result in an absent or disrupted protein product. Loss-of-function variants in BRCA2 are known to be pathogenic (PMID: 20104584).

Literature cited by the submitters: PubMed 20104584 (cited by Labcorp Genetics (formerly Invitae), Labcorp).